The following is an entry in ClinVar:

ClinVar aggregate classification (germline): Benign. Review status: criteria provided, multiple submitters, no conflicts (2 of 4 stars). 2 submissions from 2 submitters: Benign (2). Last evaluated 2018-06-14.

Allele frequency attached by ClinVar (database versions not stated): ESP Exome Variant Server 0.01622; 1000 Genomes Project 0.04034; TOPMed 0.02678; 1000 Genomes Project 30x 0.04185.
gnomAD v4.1: 16,942 of 1,606,078 alleles (1.1%); highest among the groups gnomAD compares: East Asian, 7.8%; 471 homozygotes.

Submissions (2):

GeneDx
Classification: Benign. Last evaluated: 2018-06-14. Review status: criteria provided, single submitter. Criteria: GeneDx Variant Classification (06012015). Collection method: clinical testing. Allele origin: germline. Affected: yes.
Comment: This variant is considered likely benign or benign based on one or more of the following criteria: it is a conservative change, it occurs at a poorly conserved position in the protein, it is predicted to be benign by multiple in silico algorithms, and/or has population frequency not consistent with disease.

Breakthrough Genomics
Classification: Benign. Review status: criteria provided, single submitter. Criteria: ACMG Guidelines, 2015. Collection method: not provided. Allele origin: germline. Inheritance: Autosomal dominant inheritance. Affected: yes.

NM_004408.4(DNM1):c.1545+27G>A

Gene: DNM1 (dynamin 1; plus strand). Cytogenetic location: 9q34.11.
Variant type: single nucleotide variant.
Coding change: c.1545+27G>A on transcript NM_004408.4 (MANE Select); 27 bases into the intron after coding-DNA position 1545, G replaced by A.
Molecular consequence: intron variant.
Genome position (GRCh38, 1-based): chr9:128,239,806, G>A. VCF-style: chr9-128239806-G-A. GRCh37 (hg19) VCF-style: chr9-131002085-G-A.
Other names: c.1545+27G>A (NM_001005336.3, NM_001288738.2, NM_001288737.2 and 1 more transcripts).
Identifiers: ClinVar variation 672887 (VCV000672887.2), dbSNP rs76202430, ClinGen allele CA5258204.